The following is an entry in ClinVar:

ClinVar aggregate classification (germline): Uncertain significance (1 of 4 stars; one submission).

Conditions:
RASopathy. Also called: Noonan spectrum disorder; rasopathies. Identifiers: Orphanet 536391, MedGen C5555857, MONDO:0021060.

Submission:

Labcorp Genetics (formerly Invitae), Labcorp
Classification: Uncertain significance for RASopathy. Last evaluated: 2024-03-16. Review status: criteria provided, single submitter. Criteria: Invitae Variant Classification Sherloc (09022015). Collection method: clinical testing. Allele origin: germline.
Comment: This variant, c.183_194dup, results in the insertion of 4 amino acid(s) of the MAP2K1 protein (p.Lys64_Asp65insGluGluLeuLys), but otherwise preserves the integrity of the reading frame. This variant is not present in population databases (gnomAD no frequency). This variant has not been reported in the literature in individuals affected with MAP2K1-related conditions. In summary, the available evidence is currently insufficient to determine the role of this variant in disease. Therefore, it has been classified as a Variant of Uncertain Significance.

NM_002755.4(MAP2K1):c.183_194dup (p.Lys64_Asp65insGluGluLeuLys)

Gene: MAP2K1 (mitogen-activated protein kinase kinase 1; plus strand). Cytogenetic location: 15q22.31.
Variant type: Duplication.
Coding change: c.183_194dup on transcript NM_002755.4 (MANE Select); coding-DNA positions 183 to 194, 12 bases duplicated (AGAACTGAAGGA).
Protein change: p.Lys64_Asp65insGluGluLeuLys.
Genome position (GRCh38, 1-based): chr15:66,435,129-66,435,140, AGAACTGAAGGA duplicated. VCF-style (leftmost placement, unchanged base first): chr15-66435128-G-GAGAACTGAAGGA. GRCh37 (hg19) VCF-style: chr15-66727466-G-GAGAACTGAAGGA.
Other names: c.117_128dup, p.Lys42_Asp43insGluGluLeuLys (NM_001411065.1).
Identifiers: ClinVar variation 3646250 (VCV003646250.2).